The following is an entry in ClinVar:

ClinVar aggregate classification (germline): Uncertain significance (1 of 4 stars; one submission).

Conditions:
Renal coloboma syndrome (PAPRS). Also called: RENAL-COLOBOMA SYNDROME WITH MACULAR ABNORMALITIES; PAPILLORENAL SYNDROME; PAPILLORENAL SYNDROME WITH MILD OCULAR ABNORMALITIES; CONGENITAL ANOMALIES OF THE KIDNEY AND URINARY TRACT WITH OR WITHOUT OCULAR ABNORMALITIES; CAKUT WITH OR WITHOUT OCULAR ABNORMALITIES; COLOBOMA OF OPTIC NERVE WITH RENAL DISEASE. Identifiers: Orphanet 1475, MedGen C1852759, MONDO:0007352, OMIM 120330.
Focal segmental glomerulosclerosis 7 (FSGS7). Identifiers: Orphanet 656, MedGen C4014925, MONDO:0014451, OMIM 616002.

Submission:

Labcorp Genetics (formerly Invitae), Labcorp
Classification: Uncertain significance for Renal coloboma syndrome; Focal segmental glomerulosclerosis 7. Last evaluated: 2021-08-04. Review status: criteria provided, single submitter. Criteria: Invitae Variant Classification Sherloc (09022015). Collection method: clinical testing. Allele origin: germline.
Comment: This sequence change replaces glycine with arginine at codon 265 of the PAX2 protein (p.Gly265Arg). The glycine residue is moderately conserved and there is a moderate physicochemical difference between glycine and arginine. This variant is not present in population databases (ExAC no frequency). This variant has not been reported in the literature in individuals with PAX2-related conditions. Experimental studies and prediction algorithms are not available or were not evaluated, and the functional significance of this variant is currently unknown. In summary, the available evidence is currently insufficient to determine the role of this variant in disease. Therefore, it has been classified as a Variant of Uncertain Significance.

NM_000278.5(PAX2):c.793G>C (p.Gly265Arg)

Gene: PAX2 (paired box 2; plus strand). Cytogenetic location: 10q24.31.
Variant type: single nucleotide variant.
Coding change: c.793G>C on transcript NM_000278.5 (MANE Select); coding-DNA position 793, G replaced by C.
Protein change: p.Gly265Arg; replaces glycine 265 with arginine.
Molecular consequence: missense variant.
Genome position (GRCh38, 1-based): chr10:100,809,110, G>C. VCF-style: chr10-100809110-G-C. GRCh37 (hg19) VCF-style: chr10-102568867-G-C.
Other names: c.886G>C, p.Gly296Arg (NM_001304569.2); c.862G>C, p.Gly288Arg (NM_003987.5, NM_003990.5); c.793G>C, p.Gly265Arg (NM_003988.5, NM_003989.5); short protein forms G265R, G288R, G296R.
Identifiers: ClinVar variation 1060259 (VCV001060259.7), dbSNP rs1847901504, ClinGen allele CA378259242.